The following is an entry in ClinVar:

ClinVar aggregate classification (germline): Uncertain significance (1 of 4 stars; one submission).

Allele frequency attached by ClinVar (database versions not stated): gnomAD 0.00001; gnomAD exomes 0.00001; TOPMed 0.00001; ExAC 0.00002.

Submission:

Labcorp Genetics (formerly Invitae), Labcorp
Classification: Uncertain significance. Last evaluated: 2022-05-04. Review status: criteria provided, single submitter. Criteria: Invitae Variant Classification Sherloc (09022015). Collection method: clinical testing. Allele origin: germline.
Comment: This sequence change replaces threonine, which is neutral and polar, with methionine, which is neutral and non-polar, at codon 406 of the CYP27B1 protein (p.Thr406Met). This variant is present in population databases (rs758671027, gnomAD 0.004%). This variant has not been reported in the literature in individuals affected with CYP27B1-related conditions. Algorithms developed to predict the effect of missense changes on protein structure and function are either unavailable or do not agree on the potential impact of this missense change (SIFT: "Deleterious"; PolyPhen-2: "Benign"; Align-GVGD: "Class C0"). In summary, the available evidence is currently insufficient to determine the role of this variant in disease. Therefore, it has been classified as a Variant of Uncertain Significance.

NM_000785.4(CYP27B1):c.1217C>T (p.Thr406Met)

Gene: CYP27B1 (cytochrome P450 family 27 subfamily B member 1; minus strand). Cytogenetic location: 12q14.1.
Variant type: single nucleotide variant.
Coding change: c.1217C>T on transcript NM_000785.4 (MANE Select); coding-DNA position 1217, C replaced by T.
Protein change: p.Thr406Met; replaces threonine 406 with methionine.
Molecular consequence: missense variant.
Genome position (GRCh38, 1-based): chr12:57,763,807, G>A on the plus strand (C>T on the coding strand, the complement: CYP27B1 is on the minus strand). VCF-style: chr12-57763807-G-A. GRCh37 (hg19) VCF-style: chr12-58157590-G-A.
Other names: short protein forms T406M.
Identifiers: ClinVar variation 1936106 (VCV001936106.2), dbSNP rs758671027, ClinGen allele CA6658172.